The following is an entry in ClinVar:

ClinVar aggregate classification (germline): Conflicting classifications of pathogenicity. Review status: criteria provided, conflicting classifications (1 of 4 stars). 3 submissions from 3 submitters: Uncertain significance (1); Likely benign (2). Last evaluated 2025-10-21.

Conditions:
Ullrich congenital muscular dystrophy 2 (UCMD2). Identifiers: Orphanet 75840, MedGen C4225314, MONDO:0014654, OMIM 616470.
Bethlem myopathy 2 (BTHLM2). Identifiers: Orphanet 536516, Orphanet 610, MedGen C4225313, MONDO:0034022, OMIM 616471.

Allele frequency attached by ClinVar (database versions not stated): TOPMed 0.00006; gnomAD exomes 0.00002 and 0.00001; ExAC 0.00004; gnomAD 0.00006.
gnomAD v4.1: 21 of 1,613,486 alleles (0.0013%); highest among the groups gnomAD compares: African/African-American, 0.015%; no homozygotes.

Submissions (3):

Labcorp Genetics (formerly Invitae), Labcorp
Classification: Likely benign for Bethlem myopathy 2; Ullrich congenital muscular dystrophy 2. Last evaluated: 2025-10-21. Review status: criteria provided, single submitter. Criteria: Invitae Variant Classification Sherloc (09022015). Collection method: clinical testing. Allele origin: germline.

Mayo Clinic Laboratories, Mayo Clinic
Classification: Likely benign. Last evaluated: 2025-05-07. Review status: criteria provided, single submitter. Criteria: ACMG Guidelines, 2015. Collection method: clinical testing. Allele origin: germline. Observed: 1 variant allele.
Comment: BP4, BP7

Women's Health and Genetics/Laboratory Corporation of America, LabCorp
Classification: Uncertain significance. Last evaluated: 2025-03-25. Review status: criteria provided, single submitter. Criteria: LabCorp Variant Classification Summary - May 2015. Collection method: clinical testing. Allele origin: germline.
Comment: Variant summary: COL12A1 c.3714T>C (p.Ile1238Ile) alters a conserved nucleotide located close to a canonical splice site and therefore could affect mRNA splicing, leading to a significantly altered protein sequence. Consensus agreement among computation tools predict no significant impact on normal splicing. However, these predictions have yet to be confirmed by functional studies. The variant allele was found at a frequency of 2.4e-05 in 248918 control chromosomes. The available data on variant occurrences in the general population are insufficient to allow any conclusion about variant significance. To our knowledge, no occurrence of c.3714T>C in individuals affected with Ullrich congenital muscular dystrophy 2 and no experimental evidence demonstrating its impact on protein function have been reported. ClinVar contains an entry for this variant (Variation ID: 1053272). Based on the evidence outlined above, the variant was classified as uncertain significance.

NM_004370.6(COL12A1):c.3714T>C (p.Ile1238=)

Gene: COL12A1 (collagen type XII alpha 1 chain; minus strand). Cytogenetic location: 6q13.
Variant type: single nucleotide variant.
Coding change: c.3714T>C on transcript NM_004370.6 (MANE Select); coding-DNA position 3714, T replaced by C.
Protein change: p.Ile1238=; no amino-acid change (isoleucine 1238 retained).
Molecular consequence: synonymous variant.
Genome position (GRCh38, 1-based): chr6:75,152,334, A>G on the plus strand (T>C on the coding strand, the complement: COL12A1 is on the minus strand). VCF-style: chr6-75152334-A-G. GRCh37 (hg19) VCF-style: chr6-75862050-A-G.
Other names: p.Ile1238=; c.222T>C, p.Ile74= (NM_080645.3).
Identifiers: ClinVar variation 1053272 (VCV001053272.11), dbSNP rs752068052, ClinGen allele CA3893651.